The following is an entry in ClinVar:

ClinVar aggregate classification (germline): Likely pathogenic (1 of 4 stars; one submission).

Conditions:
Cardiofaciocutaneous syndrome 4 (CFC4). Also called: MAP2K2-Related Cardiofaciocutaneous Syndrome. Identifiers: Orphanet 1340, MedGen C3809007, MONDO:0014114, OMIM 615280.

Submission:

3billion
Classification: Likely pathogenic for Cardiofaciocutaneous syndrome 4. Last evaluated: 2023-02-23. Review status: criteria provided, single submitter. Criteria: ACMG Guidelines, 2015. Collection method: clinical testing. Allele origin: unknown. Affected: yes.
Comment: The variant is not observed in the gnomAD v2.1.1 dataset. The variant is located in a mutational hot spot and/or well-established functional domain in which established pathogenic variants have been reported. Missense changes are a common disease-causing mechanism. In silico tool predictions suggest damaging effect of the variant on gene or gene product (REVEL: 0.70; 3Cnet: 0.84). Therefore, this variant is classified as Likely pathogenic according to the recommendation of ACMG/AMP guideline.

Literature cited by the submitters: PubMed 29493581.

NM_030662.4(MAP2K2):c.167C>A (p.Ala56Asp)

Gene: MAP2K2 (mitogen-activated protein kinase kinase 2; minus strand). Cytogenetic location: 19p13.3.
Variant type: single nucleotide variant.
Coding change: c.167C>A on transcript NM_030662.4 (MANE Select); coding-DNA position 167, C replaced by A.
Protein change: p.Ala56Asp; replaces alanine 56 with aspartic acid.
Molecular consequence: missense variant.
Genome position (GRCh38, 1-based): chr19:4,117,555, G>T on the plus strand (C>A on the coding strand, the complement: MAP2K2 is on the minus strand). VCF-style: chr19-4117555-G-T. GRCh37 (hg19) VCF-style: chr19-4117553-G-T.
Other names: short protein forms A56D.
Identifiers: ClinVar variation 2444198 (VCV002444198.1), dbSNP rs2145080530, ClinGen allele CA403392743.
Genomic context (GRCh38, chr19:4,117,555, plus strand): 5'-GAGATCCTTTCGAAGTCATCGTCTTTGAGTTCGCCGACCTTGGCTTTCTGGGTGAGAAAG[G>T]CTTCCAGCCGCTTCTTCTGCTGCTCGTCAAGTTCCAGCTCCTCCAGCTTCTTCTGCAGGT-3'
Protein context (NP_109587.1, residues 46-66): LDEQQKKRLE[Ala56Asp]FLTQKAKVGE